The following is an entry in ClinVar:

NM_000388.4(CASR):c.2330T>C (p.Ile777Thr)

Gene: CASR (calcium sensing receptor; plus strand). Cytogenetic location: 3q21.1.
Variant type: single nucleotide variant.
Coding change: c.2330T>C on transcript NM_000388.4 (MANE Select); coding-DNA position 2330, T replaced by C.
Protein change: p.Ile777Thr; replaces isoleucine 777 with threonine.
Molecular consequence: missense variant.
Genome position (GRCh38, 1-based): chr3:122,284,284, T>C. VCF-style: chr3-122284284-T-C. GRCh37 (hg19) VCF-style: chr3-122003131-T-C.
Other names: c.2360T>C, p.Ile787Thr (NM_001178065.2); c.2330T>C (NM_000388.3); short protein forms I777T, I787T.
Identifiers: ClinVar variation 2103711 (VCV002103711.5), dbSNP rs1223685835, ClinGen allele CA354159542.
Genomic context (GRCh38, chr3:122,284,284, plus strand): 5'-AGGATGAGATCATCTTCATCACGTGCCACGAGGGCTCCCTCATGGCCCTGGGCTTCCTGA[T>C]CGGCTACACCTGCCTGCTGGCTGCCATCTGCTTCTTCTTTGCCTTCAAGTCCCGGAAGCT-3'
Protein context (NP_000379.3, residues 767-787): EGSLMALGFL[Ile777Thr]GYTCLLAAIC

ClinVar aggregate classification (germline): Uncertain significance. Review status: criteria provided, multiple submitters, no conflicts (2 of 4 stars). 2 submissions from 2 submitters: Uncertain significance (2). Last evaluated 2024-04-02.

Conditions:
Autosomal dominant hypocalcemia 1 (HYPOC1). Also called: HYPOCALCEMIA, FAMILIAL. Identifiers: MedGen C3715128, MONDO:0011013, OMIM 601198.
Familial hypocalciuric hypercalcemia (FHH). Also called: Familial benign hypercalcemia. Identifiers: Orphanet 405, MedGen C1809471, MONDO:0018458.

Allele frequency attached by ClinVar (database versions not stated): gnomAD exomes below 0.00001.
gnomAD v4.1: 1 of 1,614,142 alleles (0.000062%); no homozygotes.

Submissions (2):

GeneDx
Classification: Uncertain significance. Last evaluated: 2024-04-02. Review status: criteria provided, single submitter. Criteria: GeneDx Variant Classification Process June 2021. Collection method: clinical testing. Allele origin: germline. Affected: yes.
Comment: Not observed at significant frequency in large population cohorts (gnomAD); In silico analysis supports that this missense variant has a deleterious effect on protein structure/function; Has not been previously published as pathogenic or benign to our knowledge

Labcorp Genetics (formerly Invitae), Labcorp
Classification: Uncertain significance for Familial hypocalciuric hypercalcemia; Autosomal dominant hypocalcemia 1. Last evaluated: 2022-03-26. Review status: criteria provided, single submitter. Criteria: Invitae Variant Classification Sherloc (09022015). Collection method: clinical testing. Allele origin: germline.
Comment: In summary, the available evidence is currently insufficient to determine the role of this variant in disease. Therefore, it has been classified as a Variant of Uncertain Significance. Algorithms developed to predict the effect of missense changes on protein structure and function (SIFT, PolyPhen-2, Align-GVGD) all suggest that this variant is likely to be disruptive. This variant has not been reported in the literature in individuals affected with CASR-related conditions. This variant is present in population databases (no rsID available, gnomAD 0.01%). This sequence change replaces isoleucine, which is neutral and non-polar, with threonine, which is neutral and polar, at codon 777 of the CASR protein (p.Ile777Thr).